The following is an entry in ClinVar:

NM_152383.5(DIS3L2):c.2600_2601insAAGGAGGAGGG (p.Pro868fs)

Gene: DIS3L2 (DIS3 like 3'-5' exoribonuclease 2; plus strand). Cytogenetic location: 2q37.1.
Variant type: Insertion.
Coding change: c.2600_2601insAAGGAGGAGGG on transcript NM_152383.5 (MANE Select); coding-DNA positions 2600 to 2601, AAGGAGGAGGG inserted.
Protein change: p.Pro868fs; shifts the reading frame from proline 868.
Molecular consequence: frameshift variant. On other transcripts: non-coding transcript variant (2), intron variant (1).
Genome position: GRCh38 VCF-style: chr2-232336569-T-TGGGAAGGAGGA. GRCh37 (hg19) VCF-style: chr2-233201279-T-TGGGAAGGAGGA.
Other names: c.1582-6773_1582-6772insAAGGAGGAGGG (NM_001257281.2); short protein forms P868fs.
Identifiers: ClinVar variation 2129434 (VCV002129434.4), dbSNP rs2469455678, ClinGen allele CA2580066042.

ClinVar aggregate classification (germline): Uncertain significance (1 of 4 stars; one submission).

Conditions:
Perlman syndrome (PRLMNS). Identifiers: Orphanet 2849, MedGen C0796113, MONDO:0009965, OMIM 267000.

Submission:

Labcorp Genetics (formerly Invitae), Labcorp
Classification: Uncertain significance for Perlman syndrome. Last evaluated: 2022-02-18. Review status: criteria provided, single submitter. Criteria: Invitae Variant Classification Sherloc (09022015). Collection method: clinical testing. Allele origin: germline.
Comment: This sequence change results in a frameshift in the DIS3L2 gene (p.Pro868Argfs*52). While this is not anticipated to result in nonsense mediated decay, it is expected to disrupt the last 18 amino acid(s) of the DIS3L2 protein and extend the protein by 33 additional amino acid residues. This variant is not present in population databases (gnomAD no frequency). This variant has not been reported in the literature in individuals affected with DIS3L2-related conditions. Experimental studies and prediction algorithms are not available or were not evaluated, and the functional significance of this variant is currently unknown. In summary, the available evidence is currently insufficient to determine the role of this variant in disease. Therefore, it has been classified as a Variant of Uncertain Significance.